The following is an entry in ClinVar:

ClinVar aggregate classification (germline): Uncertain significance (1 of 4 stars; one submission).

Conditions:
Cardiovascular phenotype. Identifiers: MedGen CN230736.

Submission:

Ambry Genetics
Classification: Uncertain significance for Cardiovascular phenotype. Last evaluated: 2022-04-19. Review status: criteria provided, single submitter. Criteria: Ambry Variant Classification Scheme 2023. Collection method: clinical testing. Allele origin: germline.
Comment: The p.Q434P variant (also known as c.1301A>C), located in coding exon 10 of the DSC2 gene, results from an A to C substitution at nucleotide position 1301. The glutamine at codon 434 is replaced by proline, an amino acid with similar properties. This amino acid position is conserved. In addition, the in silico prediction for this alteration is inconclusive. Since supporting evidence is limited at this time, the clinical significance of this alteration remains unclear.

NM_024422.6(DSC2):c.1301A>C (p.Gln434Pro)

Gene: DSC2 (desmocollin 2; minus strand). Cytogenetic location: 18q12.1.
Variant type: single nucleotide variant.
Coding change: c.1301A>C on transcript NM_024422.6 (MANE Select); coding-DNA position 1301, A replaced by C.
Protein change: p.Gln434Pro; replaces glutamine 434 with proline.
Molecular consequence: missense variant.
Genome position (GRCh38, 1-based): chr18:31,080,315, T>G on the plus strand (A>C on the coding strand, the complement: DSC2 is on the minus strand). VCF-style: chr18-31080315-T-G. GRCh37 (hg19) VCF-style: chr18-28660281-T-G.
Other names: c.872A>C, p.Gln291Pro (NM_001406506.1, NM_001406507.1); c.1301A>C, p.Gln434Pro (NM_004949.5); short protein forms Q434P, Q291P.
Identifiers: ClinVar variation 1769412 (VCV001769412.3), dbSNP rs761576097, ClinGen allele CA402108884.